The following is an entry in ClinVar:

ClinVar aggregate classification (germline): Uncertain significance (1 of 4 stars; one submission).

Conditions:
Rhabdoid tumor predisposition syndrome 2 (RTPS2). Identifiers: Orphanet 231108, Orphanet 69077, MedGen C2750074, MONDO:0013224, OMIM 613325.

Submission:

Labcorp Genetics (formerly Invitae), Labcorp
Classification: Uncertain significance for Rhabdoid tumor predisposition syndrome 2. Last evaluated: 2022-07-22. Review status: criteria provided, single submitter. Criteria: Invitae Variant Classification Sherloc (09022015). Collection method: clinical testing. Allele origin: germline.
Comment: In summary, the available evidence is currently insufficient to determine the role of this variant in disease. Therefore, it has been classified as a Variant of Uncertain Significance. Algorithms developed to predict the effect of missense changes on protein structure and function (SIFT, PolyPhen-2, Align-GVGD) all suggest that this variant is likely to be disruptive. This variant has not been reported in the literature in individuals affected with SMARCA4-related conditions. This variant is not present in population databases (gnomAD no frequency). This sequence change replaces proline, which is neutral and non-polar, with histidine, which is basic and polar, at codon 315 of the SMARCA4 protein (p.Pro315His).

NM_003072.5(SMARCA4):c.944C>A (p.Pro315His)

Gene: SMARCA4 (SWI/SNF related BAF chromatin remodeling complex subunit ATPase 4; plus strand). Cytogenetic location: 19p13.2.
Variant type: single nucleotide variant.
Coding change: c.944C>A on transcript NM_003072.5 (MANE Select); coding-DNA position 944, C replaced by A.
Protein change: p.Pro315His; replaces proline 315 with histidine.
Molecular consequence: missense variant. On other transcripts: non-coding transcript variant (1).
Genome position (GRCh38, 1-based): chr19:10,987,750, C>A. VCF-style: chr19-10987750-C-A. GRCh37 (hg19) VCF-style: chr19-11098426-C-A.
Other names: c.944C>A, p.Pro315His (NM_001128844.3, NM_001128845.2, NM_001128846.2 and 6 more transcripts); short protein forms P315H.
Identifiers: ClinVar variation 2018481 (VCV002018481.4), dbSNP rs1170997392, ClinGen allele CA404058503.